The following is an entry in ClinVar:

NM_006269.2(RP1):c.4223C>A (p.Ala1408Glu)

Gene: RP1 (RP1 axonemal microtubule associated; plus strand). Cytogenetic location: 8q12.1.
Variant type: single nucleotide variant.
Coding change: c.4223C>A on transcript NM_006269.2 (MANE Select); coding-DNA position 4223, C replaced by A.
Protein change: p.Ala1408Glu; replaces alanine 1408 with glutamic acid.
Molecular consequence: missense variant. On other transcripts: intron variant (1).
Genome position (GRCh38, 1-based): chr8:54,628,105, C>A. VCF-style: chr8-54628105-C-A. GRCh37 (hg19) VCF-style: chr8-55540665-C-A.
Other names: c.787+5817C>A (NM_001375654.1); short protein forms A1408E.
Identifiers: ClinVar variation 3703206 (VCV003703206.2).
Genomic context (GRCh38, chr8:54,628,105, plus strand): 5'-TGTCACATCAAAATGTCAGTAATTTAAGCTCCTGTGGCCTTTGCCTAAGTGAAAAAGAAG[C>A]AGAACTTGATAAGAAACATAGTTCTCTAGATGATTTTGAAAATTGTTCACTAAGGAAGTT-3'
Protein context (NP_006260.1, residues 1398-1418): SCGLCLSEKE[Ala1408Glu]ELDKKHSSLD

ClinVar aggregate classification (germline): Uncertain significance (1 of 4 stars; one submission).

gnomAD v4.1: 22 of 1,613,946 alleles (0.0014%); highest among the groups gnomAD compares: South Asian, 0.021%; 1 homozygote.

Submission:

Labcorp Genetics (formerly Invitae), Labcorp
Classification: Uncertain significance. Last evaluated: 2024-08-20. Review status: criteria provided, single submitter. Criteria: Invitae Variant Classification Sherloc (09022015). Collection method: clinical testing. Allele origin: germline.
Comment: This sequence change replaces alanine, which is neutral and non-polar, with glutamic acid, which is acidic and polar, at codon 1408 of the RP1 protein (p.Ala1408Glu). This variant is present in population databases (rs746945783, gnomAD 0.02%), including at least one homozygous and/or hemizygous individual. This variant has not been reported in the literature in individuals affected with RP1-related conditions. An algorithm developed to predict the effect of missense changes on protein structure and function (PolyPhen-2) suggests that this variant is likely to be tolerated. In summary, the available evidence is currently insufficient to determine the role of this variant in disease. Therefore, it has been classified as a Variant of Uncertain Significance.